The following is an entry in ClinVar:

NM_001111125.3(IQSEC2):c.3452-51G>A

Gene: IQSEC2 (IQ motif and Sec7 domain ArfGEF 2; minus strand). Cytogenetic location: Xp11.22.
Variant type: single nucleotide variant.
Coding change: c.3452-51G>A on transcript NM_001111125.3 (MANE Select); 51 bases into the intron before coding-DNA position 3452, G replaced by A.
Molecular consequence: intron variant.
Genome position (GRCh38, 1-based): chrX:53,235,883, C>T on the plus strand (G>A on the coding strand, the complement: IQSEC2 is on the minus strand). VCF-style: chrX-53235883-C-T. GRCh37 (hg19) VCF-style: chrX-53265065-C-T.
Other names: c.2836+439G>A (NM_015075.2).
Identifiers: ClinVar variation 1710483 (VCV001710483.3), dbSNP rs1284037993, ClinGen allele CA876269346.
Genomic context (GRCh38, chrX:53,235,883, plus strand): 5'-CCCCGCTTCCCTGCACCCACAAGCAAGGAGCCCAGCGTCAGAGCAGCAACCCCCCCCCTA[C>T]CCTGCTGGGCTCCAGAGCTGGGCACCAGGACTGGGCCCCTCCCGGGGACAGACACCCCAT-3'

ClinVar aggregate classification (germline): Uncertain significance (1 of 4 stars; one submission).

Allele frequency attached by ClinVar (database versions not stated): gnomAD 0.00001; TOPMed 0.00001; gnomAD exomes 0.00002.
gnomAD v4.1: 19 of 1,103,604 alleles (0.0017%); highest among the groups gnomAD compares: Non-Finnish European, 0.0022%; no homozygotes.

Submission:

Greenwood Genetic Center Diagnostic Laboratories, Greenwood Genetic Center
Classification: Uncertain significance. Last evaluated: 2022-08-10. Review status: criteria provided, single submitter. Criteria: ACMG Guidelines, 2015. Collection method: clinical testing. Allele origin: germline. Affected: yes.
Comment: PM2